The following is an entry in ClinVar:

ClinVar aggregate classification (germline): Uncertain significance (1 of 4 stars; one submission).

Conditions:
Developmental and epileptic encephalopathy, 54. Also called: Epileptic encephalopathy, early infantile, 54; HNRNPU-Related Neurodevelopmental Disorder. Identifiers: MedGen C4479319, MONDO:0033363, OMIM 617391.

Allele frequency attached by ClinVar (database versions not stated): gnomAD exomes below 0.00001.
gnomAD v4.1: 1 of 1,604,884 alleles (0.000062%); highest among the groups gnomAD compares: Non-Finnish European, 0.000085%; no homozygotes.

Submission:

Labcorp Genetics (formerly Invitae), Labcorp
Classification: Uncertain significance for Developmental and epileptic encephalopathy, 54. Last evaluated: 2023-09-06. Review status: criteria provided, single submitter. Criteria: Invitae Variant Classification Sherloc (09022015). Collection method: clinical testing. Allele origin: germline.
Comment: This variant is not present in population databases (gnomAD no frequency). This sequence change replaces glutamine, which is neutral and polar, with arginine, which is basic and polar, at codon 175 of the HNRNPU protein (p.Gln175Arg). This variant has not been reported in the literature in individuals affected with HNRNPU-related conditions. Algorithms developed to predict the effect of missense changes on protein structure and function output the following: SIFT: "Not Available"; PolyPhen-2: "Benign"; Align-GVGD: "Not Available". The arginine amino acid residue is found in multiple mammalian species, which suggests that this missense change does not adversely affect protein function. In summary, the available evidence is currently insufficient to determine the role of this variant in disease. Therefore, it has been classified as a Variant of Uncertain Significance.

NM_031844.3(HNRNPU):c.524A>G (p.Gln175Arg)

Gene: HNRNPU (heterogeneous nuclear ribonucleoprotein U; minus strand). Cytogenetic location: 1q44.
Variant type: single nucleotide variant.
Coding change: c.524A>G on transcript NM_031844.3 (MANE Select); coding-DNA position 524, A replaced by G.
Protein change: p.Gln175Arg; replaces glutamine 175 with arginine.
Molecular consequence: missense variant.
Genome position (GRCh38, 1-based): chr1:244,863,784, T>C on the plus strand (A>G on the coding strand, the complement: HNRNPU is on the minus strand). VCF-style: chr1-244863784-T-C. GRCh37 (hg19) VCF-style: chr1-245027086-T-C.
Other names: c.524A>G, p.Gln175Arg (NM_004501.3); short protein forms Q175R.
Identifiers: ClinVar variation 2888528 (VCV002888528.3), dbSNP rs2527894672, ClinGen allele CA345496707.
Genomic context (GRCh38, chr1:244,863,784, plus strand): 5'-GCGAACAGCGAGGTGGGGCCGCTGCTCTTCCCCGCGGCCTCCTTGGCGGCCCCGCGCTGC[T>C]GTTGGGGCTGTTGCTGCTGCGTCGCCGGCGGTTGAGGCTGCTGCTCCCCGTGCCCGTTCT-3'
Protein context (NP_114032.2, residues 165-185): PPATQQQQPQ[Gln175Arg]QRGAAKEAAG